The following is an entry in ClinVar:

NM_005458.8(GABBR2):c.2229+3A>G

Gene: GABBR2 (gamma-aminobutyric acid type B receptor subunit 2; minus strand). Cytogenetic location: 9q22.33.
Variant type: single nucleotide variant.
Coding change: c.2229+3A>G on transcript NM_005458.8 (MANE Select); 3 bases into the intron after coding-DNA position 2229, A replaced by G.
Molecular consequence: intron variant.
Genome position (GRCh38, 1-based): chr9:98,306,118, T>C on the plus strand (A>G on the coding strand, the complement: GABBR2 is on the minus strand). VCF-style: chr9-98306118-T-C. GRCh37 (hg19) VCF-style: chr9-101068400-T-C.
Identifiers: ClinVar variation 2026356 (VCV002026356.4), dbSNP rs2491207158, ClinGen allele CA2580080783.
Genomic context (GRCh38, chr9:98,306,118, plus strand): 5'-CCAGCAATGCCCCTGTGCTGGAGTCAGAGGGCAGAGGCCAGGTGGTGGGGCCAGCGCCTG[T>C]ACCTTCGGCACGAATACCAGGCAGAGGGTGATGGTGCTGCAGAAGATGATGACCAGAGCC-3'

ClinVar aggregate classification (germline): Uncertain significance (1 of 4 stars; one submission).

Conditions:
Epileptic encephalopathy. Identifiers: MedGen C0543888, HP:0200134.

Submission:

Labcorp Genetics (formerly Invitae), Labcorp
Classification: Uncertain significance for Epileptic encephalopathy. Last evaluated: 2025-08-15. Review status: criteria provided, single submitter. Criteria: Invitae Variant Classification Sherloc (09022015). Collection method: clinical testing. Allele origin: germline.
Comment: This sequence change falls in intron 15 of the GABBR2 gene. It does not directly change the encoded amino acid sequence of the GABBR2 protein. It affects a nucleotide within the consensus splice site. This variant is not present in population databases (gnomAD no frequency). This variant has not been reported in the literature in individuals affected with GABBR2-related conditions. ClinVar contains an entry for this variant (Variation ID: 2026356). Variants that disrupt the consensus splice site are a relatively common cause of aberrant splicing (PMID: 17576681, 9536098). Algorithms developed to predict the effect of sequence changes on RNA splicing suggest that this variant may disrupt the consensus splice site. In summary, the available evidence is currently insufficient to determine the role of this variant in disease. Therefore, it has been classified as a Variant of Uncertain Significance.

Literature cited by the submitters: PubMed 17576681; PubMed 9536098.